The following is an entry in ClinVar:

NM_000368.5(TSC1):c.2392-18C>T

Gene: TSC1 (TSC complex subunit 1; minus strand). Cytogenetic location: 9q34.13.
Variant type: single nucleotide variant.
Coding change: c.2392-18C>T on transcript NM_000368.5 (MANE Select); 18 bases into the intron before coding-DNA position 2392, C replaced by T.
Molecular consequence: intron variant.
Genome position (GRCh38, 1-based): chr9:132,901,717, G>A on the plus strand (C>T on the coding strand, the complement: TSC1 is on the minus strand). VCF-style: chr9-132901717-G-A. GRCh37 (hg19) VCF-style: chr9-135777104-G-A.
Other names: c.2026-18C>T (NM_001406620.1, NM_001406625.1, NM_001406621.1 and 2 more transcripts); c.2029-18C>T (NM_001406618.1, NM_001406617.1, NM_001406619.1 and 5 more transcripts); c.2236-18C>T (NM_001406613.1, NM_001406612.1, NM_001406611.1); c.2239-18C>T (NM_001406610.1, NM_001162427.2); c.1438-18C>T (NM_001406627.1, NM_001406628.1); c.1339-18C>T (NM_001406629.1, NM_001406630.1); c.2374-18C>T (NM_001406603.1, NM_001406604.1); c.2389-18C>T (NM_001406609.1, NM_001406597.1, NM_001406600.1 and 4 more transcripts); and 3 more.
Identifiers: ClinVar variation 4071255 (VCV004071255.1).

ClinVar aggregate classification (germline): Likely benign (1 of 4 stars; one submission).

Conditions:
Tuberous sclerosis 1 (TSC1). Identifiers: Orphanet 805, MedGen C1854465, MONDO:0008612, OMIM 191100.

Submission:

Myriad Genetics, Inc.
Classification: Likely benign for Tuberous sclerosis 1. Last evaluated: 2025-04-25. Review status: criteria provided, single submitter. Criteria: Myriad Autosomal Dominant, Autosomal Recessive and X-Linked Classification Criteria (2023). Collection method: clinical testing. Allele origin: unknown.
Comment: This variant is considered likely benign. This variant is intronic and is not expected to impact mRNA splicing.